The following is an entry in ClinVar:

ClinVar aggregate classification (germline): Pathogenic/Likely pathogenic. Review status: criteria provided, multiple submitters, no conflicts (2 of 4 stars). 3 submissions from 3 submitters: Pathogenic (2); Likely pathogenic (1). Last evaluated 2025-09-16.

Conditions:
Congenital lactic acidosis, Saguenay-Lac-Saint-Jean type (MC4DN5). Also called: CYTOCHROME c OXIDASE DEFICIENCY, FRENCH CANADIAN TYPE; COX DEFICIENCY, FRENCH CANADIAN TYPE; MITOCHONDRIAL COMPLEX IV DEFICIENCY, NUCLEAR TYPE 5. Identifiers: Orphanet 70472, MedGen C1857355, MONDO:0009069, OMIM 220111.
Inborn genetic diseases. Identifiers: MedGen C0950123, MeSH D030342.

gnomAD v4.1: 2 of 1,596,270 alleles (0.00013%); highest among the groups gnomAD compares: Non-Finnish European, 0.00017%; no homozygotes.

Submissions (3):

Labcorp Genetics (formerly Invitae), Labcorp
Classification: Pathogenic. Last evaluated: 2025-09-16. Review status: criteria provided, single submitter. Criteria: Invitae Variant Classification Sherloc (09022015). Collection method: clinical testing. Allele origin: germline.
Comment: This sequence change creates a premature translational stop signal (p.Arg492*) in the LRPPRC gene. It is expected to result in an absent or disrupted protein product. Loss-of-function variants in LRPPRC are known to be pathogenic (PMID: 26510951). This variant is not present in population databases (gnomAD no frequency). This variant has not been reported in the literature in individuals affected with LRPPRC-related conditions. ClinVar contains an entry for this variant (Variation ID: 2388788). For these reasons, this variant has been classified as Pathogenic.

Natera, Inc.
Classification: Likely pathogenic for French-Canadian type Leigh syndrome. Last evaluated: 2025-03-31. Review status: criteria provided, single submitter. Criteria: Natera Variant Classification Schema (03/2026). Collection method: clinical testing. Allele origin: germline.
Comment: The c.1474C>T variant in LRPPRC is a nonsense variant predicted to introduce a stop codon at amino acid 492. This variant is expected to result in nonsense mediated decay, truncation, or a dysfunctional protein product. This variant is rare in the general population with a frequency below the threshold expected for the associated phenotype(s). Given the available evidence, this variant is classified as Likely Pathogenic.

Ambry Genetics
Classification: Pathogenic for Inborn genetic diseases. Last evaluated: 2022-05-20. Review status: criteria provided, single submitter. Criteria: Ambry Variant Classification Scheme 2023. Collection method: clinical testing. Allele origin: germline.
Comment: The c.1474C>T (p.R492*) alteration, located in exon 12 (coding exon 12) of the LRPPRC gene, consists of a C to T substitution at nucleotide position 1474. This changes the amino acid from a arginine (R) to a stop codon at amino acid position 492. This alteration is expected to result in loss of function by premature protein truncation or nonsense-mediated mRNA decay. This variant was not reported in population-based cohorts in the Genome Aggregation Database (gnomAD). Based on the available evidence, this alteration is classified as pathogenic.

Literature cited by the submitters: PubMed 26510951 (cited by Labcorp Genetics (formerly Invitae), Labcorp).

NM_133259.4(LRPPRC):c.1474C>T (p.Arg492Ter)

Gene: LRPPRC (leucine rich pentatricopeptide repeat containing; minus strand). Cytogenetic location: 2p21.
Variant type: single nucleotide variant.
Coding change: c.1474C>T on transcript NM_133259.4 (MANE Select); coding-DNA position 1474, C replaced by T.
Protein change: p.Arg492Ter; replaces arginine 492 with a stop codon.
Molecular consequence: nonsense.
Genome position (GRCh38, 1-based): chr2:43,963,602, G>A on the plus strand (C>T on the coding strand, the complement: LRPPRC is on the minus strand). VCF-style: chr2-43963602-G-A. GRCh37 (hg19) VCF-style: chr2-44190741-G-A.
Other names: short protein forms R492*.
Identifiers: ClinVar variation 2388788 (VCV002388788.7), dbSNP rs764287278, ClinGen allele CA346679191.